The following is an entry in ClinVar:

ClinVar aggregate classification (germline): Likely pathogenic (1 of 4 stars; one submission).

Conditions:
Mitochondrial DNA depletion syndrome 20 (mngie type). Also called: MITOCHONDRIAL NEUROGASTROINTESTINAL ENCEPHALOMYOPATHY SYNDROME, LIG3-RELATED. Identifiers: MedGen C5676934, MONDO:0030696, OMIM 619780.

Submission:

3billion
Classification: Likely pathogenic for Mitochondrial DNA depletion syndrome 20 (mngie type). Last evaluated: 2025-06-13. Review status: criteria provided, single submitter. Criteria: ACMG Guidelines, 2015. Collection method: clinical testing. Allele origin: germline. Affected: yes.
Comment: The variant is not observed in the gnomAD v4.1.0 dataset. Predicted Consequence/Location: Stop-gained (nonsense): predicted to result in a loss or disruption of normal protein function through nonsense-mediated decay (NMD) or protein truncation. Multiple pathogenic variants are reported downstream of the variant. Therefore, this variant is classified as Likely pathogenic according to the recommendation of ACMG/AMP guideline.

NM_013975.4(LIG3):c.2425C>T (p.Arg809Ter)

Gene: LIG3 (DNA ligase 3; plus strand). Cytogenetic location: 17q12.
Variant type: single nucleotide variant.
Coding change: c.2425C>T on transcript NM_013975.4 (MANE Select); coding-DNA position 2425, C replaced by T.
Protein change: p.Arg809Ter; replaces arginine 809 with a stop codon.
Molecular consequence: nonsense.
Genome position (GRCh38, 1-based): chr17:35,001,350, C>T. VCF-style: chr17-35001350-C-T. GRCh37 (hg19) VCF-style: chr17-33328369-C-T.
Other names: c.2425C>T, p.Arg809Ter (NM_002311.5); short protein forms R809*.
Identifiers: ClinVar variation 4855776 (VCV004855776.1).
Genomic context (GRCh38, chr17:35,001,350, plus strand): 5'-TTCTCCAAATCGGAGGCTCATACAGCTGACGGGATCTCCATCCGATTCCCTCGCTGCACC[C>T]GAATCCGAGATGATAAGGACTGGAAATCTGCCACTAACCTTCCCCAACTCAAGGTAGCAG-3'